The following is an entry in ClinVar:

NM_002890.3(RASA1):c.2741T>A (p.Met914Lys)

Genes: CCNH (cyclin H; minus strand), RASA1 (RAS p21 protein activator 1; plus strand). Cytogenetic location: 5q14.3.
Variant type: single nucleotide variant.
Coding change: c.2741T>A on transcript NM_002890.3 (MANE Select); coding-DNA position 2741, T replaced by A.
Protein change: p.Met914Lys; replaces methionine 914 with lysine.
Molecular consequence: missense variant. On other transcripts: intron variant (1).
Genome position (GRCh38, 1-based): chr5:87,383,763, T>A. VCF-style: chr5-87383763-T-A. GRCh37 (hg19) VCF-style: chr5-86679580-T-A.
Other names: c.2210T>A, p.Met737Lys (NM_022650.3); c.933+11281A>T (NM_001364075.2); short protein forms M737K, M914K.
Identifiers: ClinVar variation 2587739 (VCV002587739.2), dbSNP rs2531374064, ClinGen allele CA360386380.

ClinVar aggregate classification (germline): Uncertain significance (1 of 4 stars; one submission).

Conditions:
Cardiovascular phenotype. Identifiers: MedGen CN230736.

Submission:

Ambry Genetics
Classification: Uncertain significance for Cardiovascular phenotype. Last evaluated: 2023-09-14. Review status: criteria provided, single submitter. Criteria: Ambry Variant Classification Scheme 2023. Collection method: clinical testing. Allele origin: germline.
Comment: The p.M914K variant (also known as c.2741T>A), located in coding exon 21 of the RASA1 gene, results from a T to A substitution at nucleotide position 2741. The methionine at codon 914 is replaced by lysine, an amino acid with similar properties. This amino acid position is conserved. In addition, this alteration is predicted to be deleterious by in silico analysis. Since supporting evidence is limited at this time, the clinical significance of this alteration remains unclear.